The following is an entry in ClinVar:

ClinVar aggregate classification (germline): Likely pathogenic. Review status: criteria provided, single submitter (1 of 4 stars). 2 submissions from 2 submitters: Likely pathogenic (1). 1 of the submissions does not count toward it. Last evaluated 2025-11-23.

Conditions:
Retinal dystrophy. Also called: Inherited retinal dystrophy. Identifiers: Orphanet 71862, MedGen C0854723, MeSH D058499, MONDO:0019118, HP:0000556.

Submissions (2):

Labcorp Genetics (formerly Invitae), Labcorp
Classification: Likely pathogenic. Last evaluated: 2025-11-23. Review status: criteria provided, single submitter. Criteria: Invitae Variant Classification Sherloc (09022015). Collection method: clinical testing. Allele origin: germline.
Comment: This sequence change falls in intron 9 of the ABCA4 gene. It does not directly change the encoded amino acid sequence of the ABCA4 protein. This variant is not present in population databases (gnomAD no frequency). This variant has been observed in individual(s) with retinal dystrophy (PMID: 30718709; internal data). ClinVar contains an entry for this variant (Variation ID: 636211). Algorithms developed to predict the effect of sequence changes on RNA splicing suggest that this variant may disrupt the consensus splice site. In summary, the currently available evidence indicates that the variant is pathogenic, but additional data are needed to prove that conclusively. Therefore, this variant has been classified as Likely Pathogenic.

Department of Clinical Genetics, Copenhagen University Hospital, Rigshospitalet
Classification: Uncertain significance for Retinal dystrophy. Last evaluated: 2018-04-01. Review status: no assertion criteria provided. Collection method: research. Allele origin: unknown. Affected: yes. Study: VeluxRD. Not counted in ClinVar's aggregate classification.

Literature cited by the submitters: PubMed 30718709 (cited by Labcorp Genetics (formerly Invitae), Labcorp and Department of Clinical Genetics, Copenhagen University Hospital, Rigshospitalet).

NM_000350.3(ABCA4):c.1240-8G>A

Gene: ABCA4 (ATP binding cassette subfamily A member 4; minus strand). Cytogenetic location: 1p22.1.
Variant type: single nucleotide variant.
Coding change: c.1240-8G>A on transcript NM_000350.3 (MANE Select); 8 bases into the intron before coding-DNA position 1240, G replaced by A.
Molecular consequence: intron variant.
Genome position (GRCh38, 1-based): chr1:94,078,714, C>T on the plus strand (G>A on the coding strand, the complement: ABCA4 is on the minus strand). VCF-style: chr1-94078714-C-T. GRCh37 (hg19) VCF-style: chr1-94544270-C-T.
Identifiers: ClinVar variation 636211 (VCV000636211.9), dbSNP rs185225547, ClinGen allele CA915941336.